The following is an entry in ClinVar:

NM_002180.3(IGHMBP2):c.538A>G (p.Ser180Gly)

Gene: IGHMBP2 (immunoglobulin mu DNA binding protein 2; plus strand). Cytogenetic location: 11q13.3.
Variant type: single nucleotide variant.
Coding change: c.538A>G on transcript NM_002180.3 (MANE Select); coding-DNA position 538, A replaced by G.
Protein change: p.Ser180Gly; replaces serine 180 with glycine.
Molecular consequence: missense variant.
Genome position (GRCh38, 1-based): chr11:68,908,622, A>G. VCF-style: chr11-68908622-A-G. GRCh37 (hg19) VCF-style: chr11-68676090-A-G.
Other names: short protein forms S180G.
Identifiers: ClinVar variation 2051380 (VCV002051380.1), dbSNP rs1236878780, ClinGen allele CA381643598.
Genomic context (GRCh38, chr11:68,908,622, plus strand): 5'-TCTGGCCCAGCCTCCTCACTCATAGAAGTGCTCTTTGGCAGATCTGCTCCCAGTCCTGCC[A>G]GTGAAATACGTAAGAACTTCTGAGTTTTCTTTTTTGGTTGAAATCACTACTGAAAGTATA-3'
Protein context (NP_002171.2, residues 170-190): LFGRSAPSPA[Ser180Gly]EIHPLTFFNT

ClinVar aggregate classification (germline): Uncertain significance (1 of 4 stars; one submission).

Conditions:
Charcot-Marie-Tooth disease axonal type 2S. Also called: CHARCOT-MARIE-TOOTH DISEASE, AXONAL, AUTOSOMAL RECESSIVE, TYPE 2S; CHARCOT-MARIE-TOOTH NEUROPATHY, TYPE 2S. Identifiers: Orphanet 443073, MedGen C4015349, MONDO:0014511, OMIM 616155.
Autosomal recessive distal spinal muscular atrophy 1. Also called: SEVERE INFANTILE AXONAL NEUROPATHY WITH RESPIRATORY FAILURE; SPINAL MUSCULAR ATROPHY, DIAPHRAGMATIC; Spinal muscular atrophy with respiratory distress 1; HMN VI; NEURONOPATHY, SEVERE INFANTILE AXONAL, WITH RESPIRATORY FAILURE; NEURONOPATHY, DISTAL HEREDITARY MOTOR, HARDING TYPE VI. Identifiers: Orphanet 98920, MedGen C1858517, MONDO:0011436, OMIM 604320.

Allele frequency attached by ClinVar (database versions not stated): gnomAD exomes below 0.00001.
gnomAD v4.1: 1 of 1,610,502 alleles (0.000062%); highest among the groups gnomAD compares: Non-Finnish European, 0.000085%; no homozygotes.

Submission:

Labcorp Genetics (formerly Invitae), Labcorp
Classification: Uncertain significance for Autosomal recessive distal spinal muscular atrophy 1; Charcot-Marie-Tooth disease axonal type 2S. Last evaluated: 2021-12-21. Review status: criteria provided, single submitter. Criteria: Invitae Variant Classification Sherloc (09022015). Collection method: clinical testing. Allele origin: germline.
Comment: This sequence change replaces serine, which is neutral and polar, with glycine, which is neutral and non-polar, at codon 180 of the IGHMBP2 protein (p.Ser180Gly). This variant is present in population databases (no rsID available, gnomAD 0.0009%). This variant has not been reported in the literature in individuals affected with IGHMBP2-related conditions. Advanced modeling of protein sequence and biophysical properties (such as structural, functional, and spatial information, amino acid conservation, physicochemical variation, residue mobility, and thermodynamic stability) performed at Invitae indicates that this missense variant is not expected to disrupt IGHMBP2 protein function. In summary, the available evidence is currently insufficient to determine the role of this variant in disease. Therefore, it has been classified as a Variant of Uncertain Significance.